The following is an entry in ClinVar:

ClinVar aggregate classification (germline): Uncertain significance (1 of 4 stars; one submission).

Allele frequency attached by ClinVar (database versions not stated): ExAC 0.00003; gnomAD exomes 0.00006 and 0.00015; gnomAD 0.00007; TOPMed 0.00007; ESP Exome Variant Server 0.00008.
gnomAD v4.1: 221 of 1,613,846 alleles (0.014%); highest among the groups gnomAD compares: Non-Finnish European, 0.018%; no homozygotes.

Submission:

Labcorp Genetics (formerly Invitae), Labcorp
Classification: Uncertain significance. Last evaluated: 2025-01-30. Review status: criteria provided, single submitter. Criteria: Invitae Variant Classification Sherloc (09022015). Collection method: clinical testing. Allele origin: germline.
Comment: This sequence change replaces proline, which is neutral and non-polar, with leucine, which is neutral and non-polar, at codon 230 of the CLCN6 protein (p.Pro230Leu). This variant is present in population databases (rs371212478, gnomAD 0.01%). This variant has not been reported in the literature in individuals affected with CLCN6-related conditions. ClinVar contains an entry for this variant (Variation ID: 1414568). An algorithm developed to predict the effect of missense changes on protein structure and function (PolyPhen-2) suggests that this variant is likely to be disruptive. In summary, the available evidence is currently insufficient to determine the role of this variant in disease. Therefore, it has been classified as a Variant of Uncertain Significance.

NM_001286.5(CLCN6):c.689C>T (p.Pro230Leu)

Gene: CLCN6 (Cl-/H+ antiporter 6; plus strand). Cytogenetic location: 1p36.22.
Variant type: single nucleotide variant.
Coding change: c.689C>T on transcript NM_001286.5 (MANE Select); coding-DNA position 689, C replaced by T.
Protein change: p.Pro230Leu; replaces proline 230 with leucine.
Molecular consequence: missense variant. On other transcripts: non-coding transcript variant (1).
Genome position (GRCh38, 1-based): chr1:11,826,196, C>T. VCF-style: chr1-11826196-C-T. GRCh37 (hg19) VCF-style: chr1-11886253-C-T.
Other names: c.623C>T, p.Pro208Leu (NM_001256959.2); short protein forms P230L, P208L.
Identifiers: ClinVar variation 1414568 (VCV001414568.8), dbSNP rs371212478, ClinGen allele CA596190.
Genomic context (GRCh38, chr1:11,826,196, plus strand): 5'-TCTCTTTTCTCTTGCTTTAGTTTCAGAGCATCTCCTTACGGAAGATCCAGTTTAACTTCC[C>T]CTATTTCCGAAGCGACAGGTATGGAAAGGTTAGAAATTGGTTTCTTTTTTGGAAACAACA-3'
Protein context (NP_001277.2, residues 220-240): ISLRKIQFNF[Pro230Leu]YFRSDRDKRD